The following is an entry in ClinVar:

ClinVar aggregate classification (germline): Uncertain significance (1 of 4 stars; one submission).

Allele frequency attached by ClinVar (database versions not stated): gnomAD exomes 0.00001 and 0.00002; ExAC 0.00003.
gnomAD v4.1: 3 of 1,614,134 alleles (0.00019%); highest among the groups gnomAD compares: Non-Finnish European, 0.00025%; no homozygotes.

Submission:

Labcorp Genetics (formerly Invitae), Labcorp
Classification: Uncertain significance. Last evaluated: 2024-05-23. Review status: criteria provided, single submitter. Criteria: Invitae Variant Classification Sherloc (09022015). Collection method: clinical testing. Allele origin: germline.
Comment: This sequence change replaces aspartic acid, which is acidic and polar, with glutamic acid, which is acidic and polar, at codon 1131 of the POLE protein (p.Asp1131Glu). This variant is present in population databases (rs750084800, gnomAD 0.004%). This variant has not been reported in the literature in individuals affected with POLE-related conditions. ClinVar contains an entry for this variant (Variation ID: 405866). Advanced modeling of protein sequence and biophysical properties (such as structural, functional, and spatial information, amino acid conservation, physicochemical variation, residue mobility, and thermodynamic stability) performed at Invitae indicates that this missense variant is not expected to disrupt POLE protein function with a negative predictive value of 80%. In summary, the available evidence is currently insufficient to determine the role of this variant in disease. Therefore, it has been classified as a Variant of Uncertain Significance.

NM_006231.4(POLE):c.3393C>G (p.Asp1131Glu)

Gene: POLE (DNA polymerase epsilon, catalytic subunit; minus strand). Cytogenetic location: 12q24.33.
Variant type: single nucleotide variant.
Coding change: c.3393C>G on transcript NM_006231.4 (MANE Select); coding-DNA position 3393, C replaced by G.
Protein change: p.Asp1131Glu; replaces aspartic acid 1131 with glutamic acid.
Molecular consequence: missense variant.
Genome position (GRCh38, 1-based): chr12:132,657,415, G>C on the plus strand (C>G on the coding strand, the complement: POLE is on the minus strand). VCF-style: chr12-132657415-G-C. GRCh37 (hg19) VCF-style: chr12-133234001-G-C.
Other names: short protein forms D1131E.
Identifiers: ClinVar variation 405866 (VCV000405866.8), dbSNP rs750084800, ClinGen allele CA6893244.